The following is an entry in ClinVar:

ClinVar aggregate classification (germline): Conflicting classifications of pathogenicity. Review status: criteria provided, conflicting classifications (1 of 4 stars). 4 submissions from 4 submitters: Likely pathogenic (1); Uncertain significance (3). Last evaluated 2026-09-17.

Conditions:
C3-related disorders.
Atypical hemolytic-uremic syndrome. Identifiers: Orphanet 2134, MedGen C2931788, MONDO:0016244.

Allele frequency attached by ClinVar (database versions not stated): ExAC 0.00009.

Submissions (7):

Genomenon, Inc
Classification: Uncertain significance for Atypical hemolytic-uremic syndrome. Last evaluated: 2026-09-17. Review status: criteria provided, single submitter. Criteria: Genomenon Sequence Variant Interpretation Standards - Updated. Collection method: curation. Allele origin: germline. Affected: yes.
Comment: C3 c.4851-1G>A is a canonical splice variant affecting the acceptor splice site of intron 40. This variant has been observed in at least one proband affected with atypical hemolytic-uremic syndrome (PMID:28840254). It is absent or not present at a significant frequency in gnomAD. In conclusion, we classify C3 c.4851-1G>A as a variant of uncertain significance.

Labcorp Genetics (formerly Invitae), Labcorp
Classification: Uncertain significance. Last evaluated: 2025-08-04. Review status: criteria provided, single submitter. Criteria: Invitae Variant Classification Sherloc (09022015). Collection method: clinical testing. Allele origin: germline.
Comment: This sequence change affects an acceptor splice site in intron 40 of the C3 gene. While this variant is not anticipated to result in nonsense mediated decay, it likely alters RNA splicing and results in a disrupted protein product. This variant is present in population databases (rs112179814, gnomAD 0.01%). This variant has not been reported in the literature in individuals affected with C3-related conditions. ClinVar contains an entry for this variant (Variation ID: 2084913). Variants that disrupt the consensus splice site are a relatively common cause of aberrant splicing (PMID: 17576681, 9536098). Algorithms developed to predict the effect of sequence changes on RNA splicing suggest that this variant may disrupt the consensus splice site. In summary, the available evidence is currently insufficient to determine the role of this variant in disease. Therefore, it has been classified as a Variant of Uncertain Significance.

Dasa
Classification: Uncertain significance. Last evaluated: 2025-07-26. Review status: criteria provided, single submitter. Criteria: DASA Assertion Criteria. Collection method: clinical testing. Allele origin: germline.
Comment: NM_000064.4(C3):c.4851-1G>A affects a canonical splice site and is predicted to disrupt normal RNA splicing. This variant is rare in population databases. The currently available literature and clinical evidence are not sufficient to establish a definitive association between this variant and the reported condition. Therefore, this variant is classified as a variant of uncertain significance.

Blueprint Genetics
Classification: Likely pathogenic for C3-related disorders. Last evaluated: 2023-06-19. Review status: criteria provided, single submitter. Criteria: ACMG Guidelines, 2015. Collection method: clinical testing. Allele origin: germline. Affected: yes. Observed: 5 variant alleles.

Dr. Peter K. Rogan Lab, Western University
No classification provided (evidence only). Condition: Nonpapillary renal cell carcinoma. Review status: no classification provided. Collection method: in vitro. Allele origin: not applicable. Functional consequence: retained intron. Not counted in ClinVar's aggregate classification.

Dr. Peter K. Rogan Lab, Western University
No classification provided (evidence only). Condition: Nonpapillary renal cell carcinoma. Review status: no classification provided. Collection method: in vitro. Allele origin: not applicable. Functional consequence: retained intron. Not counted in ClinVar's aggregate classification.

Dr. Peter K. Rogan Lab, Western University
No classification provided (evidence only). Condition: Nonpapillary renal cell carcinoma. Review status: no classification provided. Collection method: in vitro. Allele origin: not applicable. Functional consequence: retained intron. Not counted in ClinVar's aggregate classification.

Literature cited by the submitters: PubMed 28840254 (cited by Genomenon, Inc); PubMed 17576681 (cited by Labcorp Genetics (formerly Invitae), Labcorp); PubMed 9536098 (cited by Labcorp Genetics (formerly Invitae), Labcorp).

NM_000064.4(C3):c.4851-1G>A

Gene: C3 (complement C3; minus strand). Cytogenetic location: 19p13.3.
Variant type: single nucleotide variant.
Coding change: c.4851-1G>A on transcript NM_000064.4 (MANE Select); the canonical splice acceptor site of the intron before coding-DNA position 4851, G replaced by A.
Molecular consequence: splice acceptor variant.
Genome position (GRCh38, 1-based): chr19:6,678,024, C>T on the plus strand (G>A on the coding strand, the complement: C3 is on the minus strand). VCF-style: chr19-6678024-C-T. GRCh37 (hg19) VCF-style: chr19-6678035-C-T.
Identifiers: ClinVar variation 2084913 (VCV002084913.8), dbSNP rs112179814, ClinGen allele CA9128210.
Genomic context (GRCh38, chr19:6,678,024, plus strand): 5'-CATTCGTCCTCCTCGGGCCAGTGCTCCACCCAAGTGTCCTTCCCGATGATGTAGCTGAGG[C>T]TGGAGGGAAGAATGGCAGGTCAGGAAGGGGCGTGGTGTGGGCGTGGCGCAGGGGCGTGAC-3'